The following is an entry in ClinVar:

ClinVar aggregate classification (germline): Uncertain significance (1 of 4 stars; one submission).

Allele frequency attached by ClinVar (database versions not stated): gnomAD exomes below 0.00001; ExAC 0.00002; gnomAD 0.00003; TOPMed 0.00005.
gnomAD v4.1: 8 of 1,613,500 alleles (0.0005%); highest among the groups gnomAD compares: African/African-American, 0.011%; no homozygotes.

Submission:

Labcorp Genetics (formerly Invitae), Labcorp
Classification: Uncertain significance. Last evaluated: 2023-04-12. Review status: criteria provided, single submitter. Criteria: Invitae Variant Classification Sherloc (09022015). Collection method: clinical testing. Allele origin: germline.
Comment: An algorithm developed to predict the effect of missense changes on protein structure and function (PolyPhen-2) suggests that this variant is likely to be disruptive. In summary, the available evidence is currently insufficient to determine the role of this variant in disease. Therefore, it has been classified as a Variant of Uncertain Significance. This variant has not been reported in the literature in individuals affected with NFIA-related conditions. This variant is present in population databases (rs758837290, gnomAD 0.02%). This sequence change replaces alanine, which is neutral and non-polar, with valine, which is neutral and non-polar, at codon 411 of the NFIA protein (p.Ala411Val).

NM_001134673.4(NFIA):c.1232C>T (p.Ala411Val)

Gene: NFIA (nuclear factor I A; plus strand). Cytogenetic location: 1p31.3.
Variant type: single nucleotide variant.
Coding change: c.1232C>T on transcript NM_001134673.4 (MANE Select); coding-DNA position 1232, C replaced by T.
Protein change: p.Ala411Val; replaces alanine 411 with valine.
Molecular consequence: missense variant.
Genome position (GRCh38, 1-based): chr1:61,404,260, C>T. VCF-style: chr1-61404260-C-T. GRCh37 (hg19) VCF-style: chr1-61869932-C-T.
Other names: c.1208C>T, p.Ala403Val (NM_001145511.2); c.1367C>T, p.Ala456Val (NM_001145512.2); c.1232C>T, p.Ala411Val (NM_005595.5); short protein forms A411V, A456V, A403V.
Identifiers: ClinVar variation 3021217 (VCV003021217.3), dbSNP rs758837290, ClinGen allele CA881151.